The following is an entry in ClinVar:

ClinVar aggregate classification (germline): Uncertain significance. Review status: criteria provided, multiple submitters, no conflicts (2 of 4 stars). 2 submissions from 2 submitters: Uncertain significance (2). Last evaluated 2022-06-12.

Conditions:
Autosomal dominant cerebellar ataxia, deafness and narcolepsy. Also called: Autosomal Dominant Cerebellar Ataxia, Deafness, and Narcolepsy (ADCA-DN). Identifiers: Orphanet 314404, MedGen C4302668, MONDO:0011397, OMIM 604121.
Hereditary sensory neuropathy-deafness-dementia syndrome. Also called: HSN IE; Hereditary sensory neuropathy type IE; Hereditary Sensory and Autonomic Neuropathy Type 1E (HSAN1E); NEUROPATHY, HEREDITARY SENSORY, WITH HEARING LOSS AND DEMENTIA. Identifiers: Orphanet 456318, MedGen C3279885, MONDO:0013584, OMIM 614116.

Allele frequency attached by ClinVar (database versions not stated): gnomAD exomes below 0.00001.
gnomAD v4.1: 2 of 1,613,968 alleles (0.00012%); highest among the groups gnomAD compares: Non-Finnish European, 0.00017%; no homozygotes.

Submissions (2):

Labcorp Genetics (formerly Invitae), Labcorp
Classification: Uncertain significance for Hereditary sensory neuropathy-deafness-dementia syndrome. Last evaluated: 2022-06-12. Review status: criteria provided, single submitter. Criteria: Invitae Variant Classification Sherloc (09022015). Collection method: clinical testing. Allele origin: germline.
Comment: This sequence change replaces arginine, which is basic and polar, with cysteine, which is neutral and slightly polar, at codon 974 of the DNMT1 protein (p.Arg974Cys). This variant is not present in population databases (gnomAD no frequency). This variant has not been reported in the literature in individuals affected with DNMT1-related conditions. ClinVar contains an entry for this variant (Variation ID: 930982). Algorithms developed to predict the effect of missense changes on protein structure and function are either unavailable or do not agree on the potential impact of this missense change (SIFT: "Deleterious"; PolyPhen-2: "Possibly Damaging"; Align-GVGD: "Class C0"). In summary, the available evidence is currently insufficient to determine the role of this variant in disease. Therefore, it has been classified as a Variant of Uncertain Significance.

Centre for Mendelian Genomics, University Medical Centre Ljubljana
Classification: Uncertain significance for Autosomal dominant cerebellar ataxia, deafness and narcolepsy. Last evaluated: 2018-11-21. Review status: criteria provided, single submitter. Criteria: ACMG Guidelines, 2015. Collection method: clinical testing. Allele origin: unknown. Affected: yes.
Comment: This variant was classified as: Uncertain significance. The available evidence on this variant's pathogenicity is insufficient or conflicting. The following ACMG criteria were applied in classifying this variant: PM2.

NM_001130823.3(DNMT1):c.2920C>T (p.Arg974Cys)

Gene: DNMT1 (DNA methyltransferase 1; minus strand). Cytogenetic location: 19p13.2.
Variant type: single nucleotide variant.
Coding change: c.2920C>T on transcript NM_001130823.3 (MANE Select); coding-DNA position 2920, C replaced by T.
Protein change: p.Arg974Cys; replaces arginine 974 with cysteine.
Molecular consequence: missense variant.
Genome position (GRCh38, 1-based): chr19:10,143,962, G>A on the plus strand (C>T on the coding strand, the complement: DNMT1 is on the minus strand). VCF-style: chr19-10143962-G-A. GRCh37 (hg19) VCF-style: chr19-10254638-G-A.
Other names: c.2872C>T, p.Arg958Cys (NM_001318730.2, NM_001379.4); c.2557C>T, p.Arg853Cys (NM_001318731.2); short protein forms R853C, R958C, R974C.
Identifiers: ClinVar variation 930982 (VCV000930982.8), dbSNP rs2089651800, ClinGen allele CA403976012.
Genomic context (GRCh38, chr19:10,143,962, plus strand): 5'-CGGAGTATTTCCGGTAGTGCTCTGGGTACAGGTCCTCATCCACGGGCTCCTTCCGTGGGC[G>A]TTTCACGGGACTGGACAGCTTGATGCTGCAGAGAAGCACCCACTTGACATCAATGAACCT-3'
Protein context (NP_001124295.1, residues 964-984): FNIKLSSPVK[Arg974Cys]PRKEPVDEDL